The following is an entry in ClinVar:

ClinVar aggregate classification (germline): Pathogenic/Likely pathogenic. Review status: criteria provided, multiple submitters, no conflicts (2 of 4 stars). 10 submissions from 10 submitters: Pathogenic (8); Likely pathogenic (1). 1 of the submissions does not count toward it. Last evaluated 2025-10-10.

Conditions:
Marfan Syndrome/Loeys-Dietz Syndrome/Familial Thoracic Aortic Aneurysms and Dissections. Identifiers: MedGen CN229799.
Marfan syndrome (MFS). Also called: FBN1-Related Marfan Syndrome; Marfan syndrome, classic; MARFAN SYNDROME, TYPE I; Marfan syndrome type 1; Marfan's syndrome. Identifiers: Orphanet 284963, Orphanet 558, MedGen C0024796, MONDO:0007947, OMIM 154700.
Familial thoracic aortic aneurysm and aortic dissection (TAAD). Also called: Thoracic aortic aneurysms and dissections. Identifiers: Orphanet 91387, MedGen C4707243, MONDO:0019625.
FBN1-related disorder. Also called: FBN1-related disorders.

Submissions (10):

GeneDx
Classification: Pathogenic. Last evaluated: 2025-10-10. Review status: criteria provided, single submitter. Criteria: GeneDx Variant Classification Process June 2021. Collection method: clinical testing. Allele origin: germline. Affected: yes.
Comment: Not observed at significant frequency in large population cohorts (gnomAD); Published functional studies demonstrate the creation of new 37bp SAS within exon 62 determined by RT-PCR and gel electrophoresis to have a damaging effect (PMID: 21895641); At the protein level, in silico analysis supports that this missense variant has a deleterious effect on protein structure/function; In silico analysis supports a deleterious effect on splicing; Does not affect a cysteine or calcium-binding residue within an EGF-like domain or a TGF-binding protein domain of the FBN1 gene; cysteine substitutions in the EGF-like domains represent the majority of pathogenic missense changes associated with FBN1-related disorders (PMID: 12938084); This variant is associated with the following publications: (PMID: 22034023, 32123317, 25525159, 11524736, 11748851, 26410935, 16222657, 17627385, 26272055, 27611364, 12938084, 34498425, 34916231, 34663891, 36058493, 35058154, 21895641, 33174221, 36945115, 33059708, 32679894)

Labcorp Genetics (formerly Invitae), Labcorp
Classification: Pathogenic for Marfan syndrome; Familial thoracic aortic aneurysm and aortic dissection. Last evaluated: 2024-05-08. Review status: criteria provided, single submitter. Criteria: Invitae Variant Classification Sherloc (09022015). Collection method: clinical testing. Allele origin: germline.
Comment: This sequence change replaces glycine, which is neutral and non-polar, with arginine, which is basic and polar, at codon 2536 of the FBN1 protein (p.Gly2536Arg). RNA analysis indicates that this missense change induces altered splicing and may result in an absent or disrupted protein product. This variant is not present in population databases (gnomAD no frequency). This missense change has been observed in individual(s) with FBN1-related conditions (PMID: 11524736, 16220557, 17657824, 24793577, 25907466, 26272055). In at least one individual the variant was observed to be de novo. ClinVar contains an entry for this variant (Variation ID: 42429). Advanced modeling of protein sequence and biophysical properties (such as structural, functional, and spatial information, amino acid conservation, physicochemical variation, residue mobility, and thermodynamic stability) performed at Invitae indicates that this missense variant is expected to disrupt FBN1 protein function with a positive predictive value of 95%. Studies have shown that this missense change results in altered splicing and introduces a premature termination codon (PMID: 21895641). The resulting mRNA is expected to undergo nonsense-mediated decay. For these reasons, this variant has been classified as Pathogenic.

Clinical Genetics Laboratory, Skane University Hospital Lund
Classification: Pathogenic. Last evaluated: 2023-07-04. Review status: criteria provided, single submitter. Criteria: ACMG Guidelines, 2015. Collection method: clinical testing. Allele origin: germline. Affected: yes.

CHEO Genetics Diagnostic Laboratory, Children's Hospital of Eastern Ontario
Classification: Pathogenic for Familial thoracic aortic aneurysm and aortic dissection. Last evaluated: 2022-10-12. Review status: criteria provided, single submitter. Criteria: ACMG Guidelines, 2015. Collection method: clinical testing. Allele origin: germline.

Blueprint Genetics
Classification: Pathogenic for FBN1-related disorders. Last evaluated: 2022-08-25. Review status: criteria provided, single submitter. Criteria: ACMG Guidelines, 2015. Collection method: clinical testing. Allele origin: germline. Affected: yes. Observed: 3 variant alleles.

Ambry Genetics
Classification: Pathogenic for Familial thoracic aortic aneurysm and aortic dissection. Last evaluated: 2022-06-02. Review status: criteria provided, single submitter. Criteria: Ambry Variant Classification Scheme 2023. Collection method: clinical testing. Allele origin: germline.
Comment: The p.G2536R pathogenic mutation (also known as c.7606G>A), located in coding exon 61 of the FBN1 gene, results from a G to A substitution at nucleotide position 7606. The glycine at codon 2536 is replaced by arginine, an amino acid with dissimilar properties. This alteration has been reported in subjects with features of Marfan syndrome and thoracic aortic aneurysm and dissection (TAAD) and has been reported as a de novo occurrence (Comeglio P et al. Hum. Mutat., 2001 Sep;18:251; Rommel K et al. Hum. Mutat., 2005 Dec;26:529-39; Robinson DO et al. Clin. Genet., 2012 Sep;82:223-31; Lerner-Ellis JP et al. Mol. Genet. Metab., 2014 Jun;112:171-6; Proost D et al. Hum. Mutat., 2015 Aug;36:808-14). This variant is considered to be rare based on population cohorts in the Genome Aggregation Database (gnomAD). In addition, RNA studies show this alteration has an aberrant impact on splicing (Robinson DO et al. Clin. Genet., 2012 Sep;82:223-31). Based on the supporting evidence, this alteration is interpreted as a disease-causing mutation.

Centre of Medical Genetics, University of Antwerp
Classification: Likely pathogenic for Marfan syndrome. Last evaluated: 2021-03-01. Review status: criteria provided, single submitter. Criteria: Submitter's publication. Collection method: research. Allele origin: unknown. Affected: yes. Observed: 2 variant alleles.
Comment: PM2, PS1, PP1, PP4

Women's Health and Genetics/Laboratory Corporation of America, LabCorp
Classification: Pathogenic for Marfan Syndrome/Loeys-Dietz Syndrome/Familial Thoracic Aortic Aneurysms and Dissections. Last evaluated: 2016-08-05. Review status: criteria provided, single submitter. Criteria: LabCorp Variant Classification Summary - May 2015. Collection method: clinical testing. Allele origin: germline.
Comment: Variant summary: The FBN1 c.7606G>A (p.Gly2536Arg) variant located in a Ca2+ binding domain causing a missense change involving a conserved nucleotide with 3/4 in silico tools (SNPs&GO not captured here due to low reliability) predicting a damaging outcome. The variant of interest was not found in controls (ExAC, 1000 Gs, or ESP). The variant of interest has been reported in multiple affected individuals with varying phenotypes: MFS, MFS-like, and TAAD. In addition, a functional study (Robinson_2012) indicates the variant alterates splicing producing a 32 deletion transcript (<2% total product). Multiple reputable databases/clinical laboratories.Furthermore, mutations in nearby residues (C2541F, C2535W) have been reported in association with Marfan syndrome. Therefore, the variant of interest has been classified as "pathogenic."

Laboratory for Molecular Medicine, Mass General Brigham Personalized Medicine
Classification: Pathogenic for Marfan syndrome. Last evaluated: 2006-10-28. Review status: criteria provided, single submitter. Criteria: LMM Criteria. Collection method: clinical testing. Allele origin: germline. Observed: 3 variant alleles.

Center for Medical Genetics Ghent, University of Ghent
Classification: Likely pathogenic for Marfan syndrome. Last evaluated: 2017-11-07. Review status: no assertion criteria provided. Collection method: clinical testing. Allele origin: germline. Affected: yes. Not counted in ClinVar's aggregate classification.

Literature cited by the submitters: PubMed 11524736 (cited by Labcorp Genetics (formerly Invitae), Labcorp and Ambry Genetics); PubMed 16220557 (cited by 3 submitters); PubMed 17657824 (cited by 3 submitters); PubMed 24793577 (cited by 3 submitters); PubMed 25907466 (cited by 3 submitters); PubMed 26272055 (cited by Labcorp Genetics (formerly Invitae), Labcorp and Women's Health and Genetics/Laboratory Corporation of America, LabCorp); PubMed 21895641 (cited by 3 submitters); PubMed 11748851 (cited by 3 submitters); PubMed 17627385 (cited by Ambry Genetics and Women's Health and Genetics/Laboratory Corporation of America, LabCorp); PubMed 26410935 (cited by Ambry Genetics); PubMed 27611364 (cited by Ambry Genetics); PubMed 19012347 (cited by Women's Health and Genetics/Laboratory Corporation of America, LabCorp).

NM_000138.5(FBN1):c.7606G>A (p.Gly2536Arg)

Gene: FBN1 (fibrillin 1; minus strand). Cytogenetic location: 15q21.1.
Variant type: single nucleotide variant.
Coding change: c.7606G>A on transcript NM_000138.5 (MANE Select); coding-DNA position 7606, G replaced by A.
Protein change: p.Gly2536Arg; replaces glycine 2536 with arginine.
Molecular consequence: missense variant.
Genome position (GRCh38, 1-based): chr15:48,421,651, C>T on the plus strand (G>A on the coding strand, the complement: FBN1 is on the minus strand). VCF-style: chr15-48421651-C-T. GRCh37 (hg19) VCF-style: chr15-48713848-C-T.
Other names: p.G2536R:GGG>AGG; short protein forms G2536R.
Identifiers: ClinVar variation 42429 (VCV000042429.36), dbSNP rs397515854, ClinGen allele CA017296.
Genomic context (GRCh38, chr15:48,421,651, plus strand): 5'-ATCCCCGCTGGCATTCACAGGTGAAGCTTCCAGGAGTGTTCTGGCAAATGCCCTTAGACC[C>T]GCACAGATTGATGTCAGAGGTGCATTCATTGTTATCTATGAGAAGCAGTGGGGGCAAAGA-3'
Protein context (NP_000129.3, residues 2526-2546): NECTSDINLC[Gly2536Arg]SKGICQNTPG